The following is an entry in ClinVar:

ClinVar aggregate classification (germline): Uncertain significance (1 of 4 stars; one submission).

Submission:

Labcorp Genetics (formerly Invitae), Labcorp
Classification: Uncertain significance. Last evaluated: 2024-04-02. Review status: criteria provided, single submitter. Criteria: Invitae Variant Classification Sherloc (09022015). Collection method: clinical testing. Allele origin: germline.
Comment: This sequence change replaces glutamine, which is neutral and polar, with leucine, which is neutral and non-polar, at codon 377 of the IRF2BP2 protein (p.Gln377Leu). This variant is not present in population databases (gnomAD no frequency). This variant has not been reported in the literature in individuals affected with IRF2BP2-related conditions. An algorithm developed to predict the effect of missense changes on protein structure and function (PolyPhen-2) suggests that this variant is likely to be disruptive. In summary, the available evidence is currently insufficient to determine the role of this variant in disease. Therefore, it has been classified as a Variant of Uncertain Significance.

NM_182972.3(IRF2BP2):c.1130A>T (p.Gln377Leu)

Gene: IRF2BP2 (interferon regulatory factor 2 binding protein 2; minus strand). Cytogenetic location: 1q42.3.
Variant type: single nucleotide variant.
Coding change: c.1130A>T on transcript NM_182972.3 (MANE Select); coding-DNA position 1130, A replaced by T.
Protein change: p.Gln377Leu; replaces glutamine 377 with leucine.
Molecular consequence: missense variant.
Genome position (GRCh38, 1-based): chr1:234,607,771, T>A on the plus strand (A>T on the coding strand, the complement: IRF2BP2 is on the minus strand). VCF-style: chr1-234607771-T-A. GRCh37 (hg19) VCF-style: chr1-234743517-T-A.
Other names: c.1082A>T, p.Gln361Leu (NM_001077397.1); short protein forms Q377L, Q361L.
Identifiers: ClinVar variation 3647917 (VCV003647917.2).